The following is an entry in ClinVar:

NM_014804.3(KIAA0753):c.1896A>T (p.Glu632Asp)

Gene: KIAA0753 (KIAA0753; minus strand). Cytogenetic location: 17p13.1.
Variant type: single nucleotide variant.
Coding change: c.1896A>T on transcript NM_014804.3 (MANE Select); coding-DNA position 1896, A replaced by T.
Protein change: p.Glu632Asp; replaces glutamic acid 632 with aspartic acid.
Molecular consequence: missense variant. On other transcripts: non-coding transcript variant (3).
Genome position (GRCh38, 1-based): chr17:6,607,204, T>A on the plus strand (A>T on the coding strand, the complement: KIAA0753 is on the minus strand). VCF-style: chr17-6607204-T-A. GRCh37 (hg19) VCF-style: chr17-6510524-T-A.
Other names: c.999A>T, p.Glu333Asp (NM_001351225.2); short protein forms E333D, E632D.
Identifiers: ClinVar variation 2128728 (VCV002128728.4), dbSNP rs2544392090, ClinGen allele CA397408390.

ClinVar aggregate classification (germline): Uncertain significance (1 of 4 stars; one submission).

Submission:

Labcorp Genetics (formerly Invitae), Labcorp
Classification: Uncertain significance. Last evaluated: 2022-04-21. Review status: criteria provided, single submitter. Criteria: Invitae Variant Classification Sherloc (09022015). Collection method: clinical testing. Allele origin: germline.
Comment: In summary, the available evidence is currently insufficient to determine the role of this variant in disease. Therefore, it has been classified as a Variant of Uncertain Significance. Algorithms developed to predict the effect of missense changes on protein structure and function are either unavailable or do not agree on the potential impact of this missense change (SIFT: "Tolerated"; PolyPhen-2: "Possibly Damaging"; Align-GVGD: "Class C0"). This variant has not been reported in the literature in individuals affected with KIAA0753-related conditions. This variant is not present in population databases (gnomAD no frequency). This sequence change replaces glutamic acid, which is acidic and polar, with aspartic acid, which is acidic and polar, at codon 632 of the KIAA0753 protein (p.Glu632Asp).